The following is an entry in ClinVar:

NM_138694.4(PKHD1):c.11174+2T>C

Gene: PKHD1 (PKHD1 ciliary IPT domain containing fibrocystin/polyductin; minus strand). Cytogenetic location: 6p12.3.
Variant type: single nucleotide variant.
Coding change: c.11174+2T>C on transcript NM_138694.4 (MANE Select); the canonical splice donor site of the intron after coding-DNA position 11174, T replaced by C.
Molecular consequence: splice donor variant.
Genome position (GRCh38, 1-based): chr6:51,658,950, A>G on the plus strand (T>C on the coding strand, the complement: PKHD1 is on the minus strand). VCF-style: chr6-51658950-A-G. GRCh37 (hg19) VCF-style: chr6-51523748-A-G.
Identifiers: ClinVar variation 1472964 (VCV001472964.7), dbSNP rs2150410774, ClinGen allele CA364429623.
Genomic context (GRCh38, chr6:51,658,950, plus strand): 5'-ATATGTCAATATGGACCTAAAAAATCAGCCCTCATTTGGATGTGAATATAATTAGTACTT[A>G]CCCATAGCCAATGACTCCCTTTGACTGAGTAACTAGTAAGGCCCCGATAGTCATATTCAG-3'

ClinVar aggregate classification (germline): Likely pathogenic. Review status: criteria provided, multiple submitters, no conflicts (2 of 4 stars). 2 submissions from 2 submitters: Likely pathogenic (2). Last evaluated 2024-06-12.

Conditions:
Polycystic kidney disease 4 (PKD4). Also called: POLYCYSTIC KIDNEY DISEASE 4 WITH OR WITHOUT POLYCYSTIC LIVER DISEASE; POLYCYSTIC KIDNEY AND HEPATIC DISEASE 1; POLYCYSTIC KIDNEY DISEASE, INFANTILE, TYPE I; PKD3; Autosomal Recessive Polycystic Kidney Disease – PKHD1. Identifiers: MedGen C4540575, MONDO:0033004, OMIM 263200.
Autosomal recessive polycystic kidney disease (ARPKD). Also called: AR polycystic kidney disease. Identifiers: Orphanet 731, Orphanet 8378, MedGen C0085548, MeSH D017044, MONDO:0009889.

Submissions (2):

Laboratorio de Genetica e Diagnostico Molecular, Hospital Israelita Albert Einstein
Classification: Likely pathogenic for Polycystic kidney disease 4. Last evaluated: 2024-06-12. Review status: criteria provided, single submitter. Criteria: ACMG Guidelines, 2015. Collection method: clinical testing. Allele origin: germline. Affected: yes.
Comment: ACMG classification criteria: PVS1 very strong, PM2 supporting

Labcorp Genetics (formerly Invitae), Labcorp
Classification: Likely pathogenic for Autosomal recessive polycystic kidney disease. Last evaluated: 2021-11-05. Review status: criteria provided, single submitter. Criteria: Invitae Variant Classification Sherloc (09022015). Collection method: clinical testing. Allele origin: germline.
Comment: This variant is not present in population databases (gnomAD no frequency). This variant has not been reported in the literature in individuals affected with PKHD1-related conditions. Algorithms developed to predict the effect of sequence changes on RNA splicing suggest that this variant may disrupt the consensus splice site. In summary, the currently available evidence indicates that the variant is pathogenic, but additional data are needed to prove that conclusively. Therefore, this variant has been classified as Likely Pathogenic. This sequence change affects a donor splice site in intron 61 of the PKHD1 gene. It is expected to disrupt RNA splicing. Variants that disrupt the donor or acceptor splice site typically lead to a loss of protein function (PMID: 16199547), and loss-of-function variants in PKHD1 are known to be pathogenic (PMID: 19940839).

Literature cited by the submitters: PubMed 16199547 (cited by Labcorp Genetics (formerly Invitae), Labcorp); PubMed 19940839 (cited by Labcorp Genetics (formerly Invitae), Labcorp).